The following is an entry in ClinVar:

ClinVar aggregate classification (germline): Conflicting classifications of pathogenicity. Review status: criteria provided, conflicting classifications (1 of 4 stars). 3 submissions from 3 submitters: Uncertain significance (2); Likely benign (1). Last evaluated 2025-10-23.

Allele frequency attached by ClinVar (database versions not stated): gnomAD exomes below 0.00001; gnomAD 0.00001.

Submissions (3):

Labcorp Genetics (formerly Invitae), Labcorp
Classification: Uncertain significance. Last evaluated: 2025-10-23. Review status: criteria provided, single submitter. Criteria: Invitae Variant Classification Sherloc (09022015). Collection method: clinical testing. Allele origin: germline.
Comment: This sequence change replaces cysteine, which is neutral and slightly polar, with tyrosine, which is neutral and polar, at codon 206 of the PITPNM3 protein (p.Cys206Tyr). This variant is not present in population databases (gnomAD no frequency). This variant has not been reported in the literature in individuals affected with PITPNM3-related conditions. ClinVar contains an entry for this variant (Variation ID: 1517177). Invitae Evidence Modeling of protein sequence and biophysical properties (such as structural, functional, and spatial information, amino acid conservation, physicochemical variation, residue mobility, and thermodynamic stability) indicates that this missense variant is not expected to disrupt PITPNM3 protein function with a negative predictive value of 80%. In summary, the available evidence is currently insufficient to determine the role of this variant in disease. Therefore, it has been classified as a Variant of Uncertain Significance.

Ambry Genetics
Classification: Uncertain significance. Last evaluated: 2024-08-29. Review status: criteria provided, single submitter. Criteria: Ambry Variant Classification Scheme 2023. Collection method: clinical testing. Allele origin: germline.

Blueprint Genetics
Classification: Likely benign. Last evaluated: 2019-09-19. Review status: criteria provided, single submitter. Criteria: ACMG Guidelines, 2015. Collection method: clinical testing. Allele origin: germline.

NM_031220.4(PITPNM3):c.617G>A (p.Cys206Tyr)

Gene: PITPNM3 (PITPNM family member 3; minus strand). Cytogenetic location: 17p13.2.
Variant type: single nucleotide variant.
Coding change: c.617G>A on transcript NM_031220.4 (MANE Select); coding-DNA position 617, G replaced by A.
Protein change: p.Cys206Tyr; replaces cysteine 206 with tyrosine.
Molecular consequence: missense variant.
Genome position (GRCh38, 1-based): chr17:6,478,707, C>T on the plus strand (G>A on the coding strand, the complement: PITPNM3 is on the minus strand). VCF-style: chr17-6478707-C-T. GRCh37 (hg19) VCF-style: chr17-6382027-C-T.
Other names: c.509G>A, p.Cys170Tyr (NM_001165966.2); c.617G>A (NM_031220.3); short protein forms C206Y, C170Y.
Identifiers: ClinVar variation 1517177 (VCV001517177.8), dbSNP rs1163326902, ClinGen allele CA397409356.